The following is an entry in ClinVar:

NM_001171613.2(PREPL):c.-49+1665A>C

Gene: PREPL (prolyl endopeptidase like; minus strand). Cytogenetic location: 2p21.
Variant type: single nucleotide variant.
Coding change: c.-49+1665A>C on transcript NM_001171613.2 (MANE Select); 1665 bases into the intron after 49 bases upstream of the start codon, A replaced by C.
Molecular consequence: intron variant. On other transcripts: missense variant (7), initiator codon variant (7).
Genome position (GRCh38, 1-based): chr2:44,359,715, T>G on the plus strand (A>C on the coding strand, the complement: PREPL is on the minus strand). VCF-style: chr2-44359715-T-G. GRCh37 (hg19) VCF-style: chr2-44586854-T-G.
Other names: c.1A>C, p.Met1Leu (NM_001042385.2, NM_001042386.2, NM_001171603.1 and 4 more transcripts); c.-49+1809A>C (NM_001171617.1); c.-49+1702A>C (NM_001374277.1); short protein forms M1L.
Identifiers: ClinVar variation 544539 (VCV000544539.9), dbSNP rs766377212, ClinGen allele CA1641771.

ClinVar aggregate classification (germline): Uncertain significance (1 of 4 stars; one submission).

Conditions:
Myasthenic syndrome, congenital, 22 (CMS22). Also called: PREPL DEFICIENCY. Identifiers: MedGen C4479088, MONDO:0044299, OMIM 616224.

Allele frequency attached by ClinVar (database versions not stated): gnomAD exomes below 0.00001; ExAC 0.00002.
gnomAD v4.1: 1 of 1,599,772 alleles (0.000063%); highest among the groups gnomAD compares: African/African-American, 0.0013%; no homozygotes.

Submission:

Labcorp Genetics (formerly Invitae), Labcorp
Classification: Uncertain significance for Myasthenic syndrome, congenital, 22. Last evaluated: 2022-06-20. Review status: criteria provided, single submitter. Criteria: Invitae Variant Classification Sherloc (09022015). Collection method: clinical testing. Allele origin: germline.
Comment: This sequence change affects the initiator methionine of the PREPL mRNA. The next in-frame methionine is located at codon 23. This variant is present in population databases (rs766377212, gnomAD 0.007%). This variant has not been reported in the literature in individuals affected with PREPL-related conditions. ClinVar contains an entry for this variant (Variation ID: 544539). Experimental studies and prediction algorithms are not available or were not evaluated, and the functional significance of this variant is currently unknown. In summary, the available evidence is currently insufficient to determine the role of this variant in disease. Therefore, it has been classified as a Variant of Uncertain Significance.